The following is an entry in ClinVar:

ClinVar aggregate classification (germline): Uncertain significance (1 of 4 stars; one submission).

Submission:

Labcorp Genetics (formerly Invitae), Labcorp
Classification: Uncertain significance. Last evaluated: 2021-11-05. Review status: criteria provided, single submitter. Criteria: Invitae Variant Classification Sherloc (09022015). Collection method: clinical testing. Allele origin: germline.
Comment: This sequence change replaces leucine, which is neutral and non-polar, with valine, which is neutral and non-polar, at codon 523 of the TJP2 protein (p.Leu523Val). This variant is not present in population databases (gnomAD no frequency). This variant has not been reported in the literature in individuals affected with TJP2-related conditions. Algorithms developed to predict the effect of missense changes on protein structure and function are either unavailable or do not agree on the potential impact of this missense change (SIFT: "Tolerated"; PolyPhen-2: "Possibly Damaging"; Align-GVGD: "Class C0"). In summary, the available evidence is currently insufficient to determine the role of this variant in disease. Therefore, it has been classified as a Variant of Uncertain Significance.

NM_004817.4(TJP2):c.1567C>G (p.Leu523Val)

Gene: TJP2 (tight junction protein 2; plus strand). Cytogenetic location: 9q21.11.
Variant type: single nucleotide variant.
Coding change: c.1567C>G on transcript NM_004817.4 (MANE Select); coding-DNA position 1567, C replaced by G.
Protein change: p.Leu523Val; replaces leucine 523 with valine.
Molecular consequence: missense variant.
Genome position (GRCh38, 1-based): chr9:69,230,128, C>G. VCF-style: chr9-69230128-C-G. GRCh37 (hg19) VCF-style: chr9-71845044-C-G.
Other names: c.1498C>G, p.Leu500Val (NM_001170414.2, NM_001369871.1); c.1579C>G, p.Leu527Val (NM_001170415.1, NM_001369874.1, NM_001369875.1); c.1660C>G, p.Leu554Val (NM_001170416.2); c.1492C>G, p.Leu498Val (NM_001369870.1); c.1567C>G, p.Leu523Val (NM_001369872.1, NM_001369873.1, NM_201629.3); short protein forms L523V, L527V, L500V, L554V, L498V.
Identifiers: ClinVar variation 1391483 (VCV001391483.6), dbSNP rs2133343173, ClinGen allele CA373531773.